The following is an entry in ClinVar:

ClinVar aggregate classification (germline): Benign/Likely benign. Review status: criteria provided, multiple submitters, no conflicts (2 of 4 stars). 4 submissions from 4 submitters: Benign (1); Likely benign (3). Last evaluated 2025-03-24.

Conditions:
Hereditary cancer-predisposing syndrome. Also called: Hereditary neoplastic syndrome; Tumor predisposition; Neoplastic Syndromes, Hereditary; Hereditary Cancer Syndrome. Identifiers: Orphanet 140162, MedGen C0027672, MeSH D009386, MONDO:0015356.
Familial thoracic aortic aneurysm and aortic dissection (TAAD). Also called: Thoracic aortic aneurysms and dissections. Identifiers: Orphanet 91387, MedGen C4707243, MONDO:0019625.
Juvenile polyposis syndrome (JPS). Identifiers: Orphanet 2929, MedGen C0345893, MONDO:0017380, OMIM 174900.
Juvenile polyposis/hereditary hemorrhagic telangiectasia syndrome (JPHT). Also called: Juvenile Polyposis Syndrome / Hereditary Hemorrhagic Telangiectasia (JPS/HHT); JP/HHT SYNDROME; JUVENILE POLYPOSIS WITH HEREDITARY HEMORRHAGIC TELANGIECTASIA; POLYPOSIS, GENERALIZED JUVENILE, WITH PULMONARY ARTERIOVENOUS MALFORMATION; TELANGIECTASIA, HEREDITARY HEMORRHAGIC, WITH JUVENILE POLYPOSIS COLI. Identifiers: Orphanet 2929, MedGen C1832942, MONDO:0008278, OMIM 175050.

gnomAD v4.1: 1 of 1,613,074 alleles (0.000062%); highest among the groups gnomAD compares: Non-Finnish European, 0.000085%; no homozygotes.

Submissions (4):

Myriad Genetics, Inc.
Classification: Benign for Juvenile polyposis/hereditary hemorrhagic telangiectasia syndrome. Last evaluated: 2025-03-24. Review status: criteria provided, single submitter. Criteria: Myriad Autosomal Dominant, Autosomal Recessive and X-Linked Classification Criteria (2023). Collection method: clinical testing. Allele origin: unknown.
Comment: This variant is considered benign. This variant is a silent/synonymous amino acid change and it is not expected to impact splicing.

Labcorp Genetics (formerly Invitae), Labcorp
Classification: Likely benign for Juvenile polyposis syndrome. Last evaluated: 2023-12-22. Review status: criteria provided, single submitter. Criteria: Invitae Variant Classification Sherloc (09022015). Collection method: clinical testing. Allele origin: germline.

Color Diagnostics, LLC DBA Color Health
Classification: Likely benign for Hereditary cancer-predisposing syndrome. Last evaluated: 2018-07-17. Review status: criteria provided, single submitter. Criteria: ACMG Guidelines, 2015. Collection method: clinical testing. Allele origin: germline.

Ambry Genetics
Classification: Likely benign for Hereditary cancer-predisposing syndrome; Familial thoracic aortic aneurysm and aortic dissection. Last evaluated: 2016-11-30. Review status: criteria provided, single submitter. Criteria: Ambry Variant Classification Scheme 2023. Collection method: clinical testing. Allele origin: germline.

NM_005359.6(SMAD4):c.1392C>A (p.Ala464=)

Gene: SMAD4 (SMAD family member 4; plus strand). Cytogenetic location: 18q21.2.
Variant type: single nucleotide variant.
Coding change: c.1392C>A on transcript NM_005359.6 (MANE Select); coding-DNA position 1392, C replaced by A.
Protein change: p.Ala464=; no amino-acid change (alanine 464 retained).
Molecular consequence: synonymous variant.
Genome position (GRCh38, 1-based): chr18:51,076,721, C>A. VCF-style: chr18-51076721-C-A. GRCh37 (hg19) VCF-style: chr18-48603091-C-A.
Identifiers: ClinVar variation 484815 (VCV000484815.17), dbSNP rs140487104, ClinGen allele CA503873862.